The following is an entry in ClinVar:

ClinVar aggregate classification (germline): Uncertain significance. Review status: criteria provided, multiple submitters, no conflicts (2 of 4 stars). 2 submissions from 2 submitters: Uncertain significance (2). Last evaluated 2024-11-03.

Conditions:
Hereditary cancer-predisposing syndrome. Also called: Neoplastic Syndromes, Hereditary; Hereditary Cancer Syndrome; Tumor predisposition; Hereditary neoplastic syndrome. Identifiers: Orphanet 140162, MedGen C0027672, MeSH D009386, MONDO:0015356.
Oligodontia-cancer predisposition syndrome. Also called: TOOTH AGENESIS-COLORECTAL CANCER SYNDROME. Identifiers: Orphanet 300576, MedGen C1837750, MONDO:0012075, OMIM 608615. Disease mechanism: loss of function.

gnomAD v4.1: 1 of 1,614,120 alleles (0.000062%); highest among the groups gnomAD compares: Admixed American, 0.0017%; no homozygotes.

Submissions (2):

Labcorp Genetics (formerly Invitae), Labcorp
Classification: Uncertain significance for Oligodontia-cancer predisposition syndrome. Last evaluated: 2024-11-03. Review status: criteria provided, single submitter. Criteria: Invitae Variant Classification Sherloc (09022015). Collection method: clinical testing. Allele origin: germline.
Comment: This sequence change replaces arginine, which is basic and polar, with lysine, which is basic and polar, at codon 158 of the AXIN2 protein (p.Arg158Lys). This variant is not present in population databases (gnomAD no frequency). This variant has not been reported in the literature in individuals affected with AXIN2-related conditions. ClinVar contains an entry for this variant (Variation ID: 1474658). Invitae Evidence Modeling of protein sequence and biophysical properties (such as structural, functional, and spatial information, amino acid conservation, physicochemical variation, residue mobility, and thermodynamic stability) indicates that this missense variant is not expected to disrupt AXIN2 protein function with a negative predictive value of 80%. In summary, the available evidence is currently insufficient to determine the role of this variant in disease. Therefore, it has been classified as a Variant of Uncertain Significance.

Ambry Genetics
Classification: Uncertain significance for Hereditary cancer-predisposing syndrome. Last evaluated: 2023-10-08. Review status: criteria provided, single submitter. Criteria: Ambry Variant Classification Scheme 2023. Collection method: clinical testing. Allele origin: germline.
Comment: The p.R158K variant (also known as c.473G>A), located in coding exon 1 of the AXIN2 gene, results from a G to A substitution at nucleotide position 473. The arginine at codon 158 is replaced by lysine, an amino acid with highly similar properties. This amino acid position is conserved. In addition, this alteration is predicted to be tolerated by in silico analysis. Since supporting evidence is limited at this time, the clinical significance of this alteration remains unclear.

NM_004655.4(AXIN2):c.473G>A (p.Arg158Lys)

Gene: AXIN2 (axin 2; minus strand). Cytogenetic location: 17q24.1.
Variant type: single nucleotide variant.
Coding change: c.473G>A on transcript NM_004655.4 (MANE Select); coding-DNA position 473, G replaced by A.
Protein change: p.Arg158Lys; replaces arginine 158 with lysine.
Molecular consequence: missense variant.
Genome position (GRCh38, 1-based): chr17:65,558,148, C>T on the plus strand (G>A on the coding strand, the complement: AXIN2 is on the minus strand). VCF-style: chr17-65558148-C-T. GRCh37 (hg19) VCF-style: chr17-63554266-C-T.
Other names: c.473G>A (NM_004655.3); c.473G>A, p.Arg158Lys (NM_001363813.1); short protein forms R158K.
Identifiers: ClinVar variation 1474658 (VCV001474658.7), dbSNP rs748730853, ClinGen allele CA400681268.